The following is an entry in ClinVar:

NC_000012.12:g.21766002TTC[1]

Genes: KCNJ8 (potassium inwardly rectifying channel subfamily J member 8; minus strand), KCNJ8-AS1 (KCNJ8 antisense RNA 1; plus strand). Cytogenetic location: 12p12.1.
Variant type: Microsatellite.
Genome position: GRCh38 VCF-style: chr12-21766000-CCTT-C. GRCh37 (hg19) VCF-style: chr12-21918934-CCTT-C.
Identifiers: ClinVar variation 2150843 (VCV002150843.4), dbSNP rs746995714, ClinGen allele CA6480634.

ClinVar aggregate classification (germline): Uncertain significance (1 of 4 stars; one submission).

Conditions:
Brugada syndrome. Also called: Sudden unexpected nocturnal death syndrome; Sudden Unexplained Death Syndrome; Sudden Unexplained Nocturnal Death Syndrome (SUNDS); Sudden unexplained nocturnal death syndrome. Identifiers: Orphanet 130, MedGen C1142166, MONDO:0015263.

Submission:

Labcorp Genetics (formerly Invitae), Labcorp
Classification: Uncertain significance for Brugada syndrome. Last evaluated: 2025-11-06. Review status: criteria provided, single submitter. Criteria: Invitae Variant Classification Sherloc (09022015). Collection method: clinical testing. Allele origin: germline.
Comment: This variant, c.995_997del, results in the deletion of 1 amino acid(s) of the KCNJ8 protein (p.Glu332del), but otherwise preserves the integrity of the reading frame. This variant is present in population databases (rs746995714, gnomAD 0.004%). This variant has been observed in individual(s) with sudden infant death syndrome (PMID: 21836131). Algorithms developed to predict the effect of variants on gene product structure and function are not available or were not evaluated for this variant. Experimental studies have shown that this variant affects KCNJ8 function (PMID: 21836131). In summary, the available evidence is currently insufficient to determine the role of this variant in disease. Therefore, it has been classified as a Variant of Uncertain Significance.

Literature cited by the submitters: PubMed 21836131.